The following is an entry in ClinVar:

ClinVar aggregate classification (germline): Uncertain significance (1 of 4 stars; one submission).

Conditions:
Duchenne muscular dystrophy (DMD). Also called: MUSCULAR DYSTROPHY, PSEUDOHYPERTROPHIC PROGRESSIVE, DUCHENNE TYPE; Duchenne Muscular Dystrophy (DMD). Identifiers: Orphanet 98896, MedGen C0013264, MONDO:0010679, OMIM 310200.

Submission:

Labcorp Genetics (formerly Invitae), Labcorp
Classification: Uncertain significance for Duchenne muscular dystrophy. Last evaluated: 2023-06-25. Review status: criteria provided, single submitter. Criteria: Invitae Variant Classification Sherloc (09022015). Collection method: clinical testing. Allele origin: germline.
Comment: In summary, the available evidence is currently insufficient to determine the role of this variant in disease. Therefore, it has been classified as a Variant of Uncertain Significance. Advanced modeling of protein sequence and biophysical properties (such as structural, functional, and spatial information, amino acid conservation, physicochemical variation, residue mobility, and thermodynamic stability) performed at Invitae indicates that this missense variant is not expected to disrupt DMD protein function. This variant has not been reported in the literature in individuals affected with DMD-related conditions. This variant is not present in population databases (gnomAD no frequency). This sequence change replaces glutamic acid, which is acidic and polar, with lysine, which is basic and polar, at codon 1044 of the DMD protein (p.Glu1044Lys).

NM_004006.3(DMD):c.3130G>A (p.Glu1044Lys)

Gene: DMD (dystrophin; minus strand). Cytogenetic location: Xp21.1.
Variant type: single nucleotide variant.
Coding change: c.3130G>A on transcript NM_004006.3 (MANE Select); coding-DNA position 3130, G replaced by A.
Protein change: p.Glu1044Lys; replaces glutamic acid 1044 with lysine.
Molecular consequence: missense variant.
Genome position (GRCh38, 1-based): chrX:32,468,530, C>T on the plus strand (G>A on the coding strand, the complement: DMD is on the minus strand). VCF-style: chrX-32468530-C-T. GRCh37 (hg19) VCF-style: chrX-32486647-C-T.
Other names: c.3106G>A, p.Glu1036Lys (NM_000109.4); c.3118G>A, p.Glu1040Lys (NM_004009.3); c.2761G>A, p.Glu921Lys (NM_004010.3); short protein forms E1040K, E1044K, E1036K, E921K.
Identifiers: ClinVar variation 2728956 (VCV002728956.3), dbSNP rs2524611436, ClinGen allele CA412666804.